The following is an entry in ClinVar:

NM_000780.4(CYP7A1):c.1319G>A (p.Gly440Glu)

Gene: CYP7A1 (cytochrome P450 family 7 subfamily A member 1; minus strand). Cytogenetic location: 8q12.1.
Variant type: single nucleotide variant.
Coding change: c.1319G>A on transcript NM_000780.4 (MANE Select); coding-DNA position 1319, G replaced by A.
Protein change: p.Gly440Glu; replaces glycine 440 with glutamic acid.
Molecular consequence: missense variant.
Genome position (GRCh38, 1-based): chr8:58,491,671, C>T on the plus strand (G>A on the coding strand, the complement: CYP7A1 is on the minus strand). VCF-style: chr8-58491671-C-T. GRCh37 (hg19) VCF-style: chr8-59404230-C-T.
Other names: short protein forms G440E.
Identifiers: ClinVar variation 3667158 (VCV003667158.2).

ClinVar aggregate classification (germline): Uncertain significance (1 of 4 stars; one submission).

Submission:

Labcorp Genetics (formerly Invitae), Labcorp
Classification: Uncertain significance. Last evaluated: 2025-07-30. Review status: criteria provided, single submitter. Criteria: Invitae Variant Classification Sherloc (09022015). Collection method: clinical testing. Allele origin: germline.
Comment: This sequence change replaces glycine, which is neutral and non-polar, with glutamic acid, which is acidic and polar, at codon 440 of the CYP7A1 protein (p.Gly440Glu). This variant is present in population databases (rs367898327, gnomAD 0.01%). This variant has not been reported in the literature in individuals affected with CYP7A1-related conditions. ClinVar contains an entry for this variant (Variation ID: 3667158). Invitae Evidence Modeling of protein sequence and biophysical properties (such as structural, functional, and spatial information, amino acid conservation, physicochemical variation, residue mobility, and thermodynamic stability) indicates that this missense variant is expected to disrupt CYP7A1 protein function with a positive predictive value of 80%. In summary, the available evidence is currently insufficient to determine the role of this variant in disease. Therefore, it has been classified as a Variant of Uncertain Significance.